The following is an entry in ClinVar:

NM_005802.5(TOPORS):c.1526A>G (p.Lys509Arg)

Gene: TOPORS (TOP1 binding arginine/serine rich protein, E3 ubiquitin ligase; minus strand). Cytogenetic location: 9p21.1.
Variant type: single nucleotide variant.
Coding change: c.1526A>G on transcript NM_005802.5 (MANE Select); coding-DNA position 1526, A replaced by G.
Protein change: p.Lys509Arg; replaces lysine 509 with arginine.
Molecular consequence: missense variant.
Genome position (GRCh38, 1-based): chr9:32,542,999, T>C on the plus strand (A>G on the coding strand, the complement: TOPORS is on the minus strand). VCF-style: chr9-32542999-T-C. GRCh37 (hg19) VCF-style: chr9-32542997-T-C.
Other names: c.1331A>G, p.Lys444Arg (NM_001195622.2); short protein forms K444R, K509R.
Identifiers: ClinVar variation 1507351 (VCV001507351.8), dbSNP rs2118967716, ClinGen allele CA373169591.

ClinVar aggregate classification (germline): Uncertain significance (1 of 4 stars; one submission).

Allele frequency attached by ClinVar (database versions not stated): gnomAD exomes below 0.00001.
gnomAD v4.1: 2 of 1,614,226 alleles (0.00012%); highest among the groups gnomAD compares: South Asian, 0.0022%; no homozygotes.

Submission:

Labcorp Genetics (formerly Invitae), Labcorp
Classification: Uncertain significance. Last evaluated: 2021-02-03. Review status: criteria provided, single submitter. Criteria: Invitae Variant Classification Sherloc (09022015). Collection method: clinical testing. Allele origin: germline.
Comment: This sequence change replaces lysine with arginine at codon 509 of the TOPORS protein (p.Lys509Arg). The lysine residue is moderately conserved and there is a small physicochemical difference between lysine and arginine. In summary, the available evidence is currently insufficient to determine the role of this variant in disease. Therefore, it has been classified as a Variant of Uncertain Significance. Algorithms developed to predict the effect of missense changes on protein structure and function are either unavailable or do not agree on the potential impact of this missense change (SIFT: "Deleterious"; PolyPhen-2: "Probably Damaging"; Align-GVGD: "Class C0"). This variant has not been reported in the literature in individuals with TOPORS-related conditions. This variant is not present in population databases (ExAC no frequency).